The following is an entry in ClinVar:

NM_002528.7(NTHL1):c.136C>T (p.Pro46Ser)

Gene: NTHL1 (nth like DNA glycosylase 1; minus strand). Cytogenetic location: 16p13.3.
Variant type: single nucleotide variant.
Coding change: c.136C>T on transcript NM_002528.7 (MANE Select); coding-DNA position 136, C replaced by T.
Protein change: p.Pro46Ser; replaces proline 46 with serine.
Molecular consequence: missense variant. On other transcripts: 5 prime UTR variant (1).
Genome position (GRCh38, 1-based): chr16:2,046,346, G>A on the plus strand (C>T on the coding strand, the complement: NTHL1 is on the minus strand). VCF-style: chr16-2046346-G-A. GRCh37 (hg19) VCF-style: chr16-2096347-G-A.
Other names: c.136C>T, p.Pro46Ser (NM_001318193.2); c.-43C>T (NM_001318194.2); short protein forms P46S.
Identifiers: ClinVar variation 1309727 (VCV001309727.5), dbSNP rs2150947586, ClinGen allele CA394298024.

ClinVar aggregate classification (germline): Uncertain significance. Review status: criteria provided, multiple submitters, no conflicts (2 of 4 stars). 3 submissions from 3 submitters: Uncertain significance (3). Last evaluated 2025-03-11.

Conditions:
Familial adenomatous polyposis 3. Also called: NTHL1-associated polyposis; NTHL1-Related Adenomatous Polyposis and Colorectal Cancer; NTHL1 Tumor Syndrome; NTHL1-related attenuated familial adenomatous polyposis. Identifiers: Orphanet 220460, Orphanet 454840, MedGen C4225157, MONDO:0014630, OMIM 616415.

Submissions (3):

Labcorp Genetics (formerly Invitae), Labcorp
Classification: Uncertain significance. Last evaluated: 2025-03-11. Review status: criteria provided, single submitter. Criteria: Invitae Variant Classification Sherloc (09022015). Collection method: clinical testing. Allele origin: germline.
Comment: This sequence change replaces proline, which is neutral and non-polar, with serine, which is neutral and polar, at codon 54 of the NTHL1 protein (p.Pro54Ser). This variant is not present in population databases (gnomAD no frequency). This variant has not been reported in the literature in individuals affected with NTHL1-related conditions. ClinVar contains an entry for this variant (Variation ID: 1309727). An algorithm developed to predict the effect of missense changes on protein structure and function outputs the following: PolyPhen-2: "Benign". The serine amino acid residue is found in multiple mammalian species, which suggests that this missense change does not adversely affect protein function. In summary, the available evidence is currently insufficient to determine the role of this variant in disease. Therefore, it has been classified as a Variant of Uncertain Significance.

Fulgent Genetics
Classification: Uncertain significance for Familial adenomatous polyposis 3. Last evaluated: 2024-02-21. Review status: criteria provided, single submitter. Criteria: ACMG Guidelines, 2015. Collection method: clinical testing. Allele origin: germline.

GeneDx
Classification: Uncertain significance. Last evaluated: 2019-10-23. Review status: criteria provided, single submitter. Criteria: GeneDx Variant Classification Process June 2021. Collection method: clinical testing. Allele origin: germline. Affected: yes.
Comment: Not observed in large population cohorts (Lek et al., 2016); In silico analysis, which includes protein predictors and evolutionary conservation, supports that this variant does not alter protein structure/function; Has not been previously published as pathogenic or benign to our knowledge